The following is an entry in ClinVar:

ClinVar aggregate classification (germline): Likely pathogenic (1 of 4 stars; one submission).

Conditions:
Hypohidrotic X-linked ectodermal dysplasia (XHED). Also called: ECTODERMAL DYSPLASIA, HYPOHIDROTIC, 1; CST SYNDROME; Anhidrotic ectodermal dysplasia X-linked; Christ Siemens Touraine syndrome; ECTODERMAL DYSPLASIA 1, HYPOHIDROTIC, X-LINKED; ECTODERMAL DYSPLASIA 1, HYPOHIDROTIC/HAIR/TOOTH TYPE, X-LINKED. Identifiers: Orphanet 181, Orphanet 238468, MedGen C0162359, MONDO:0010585, OMIM 305100.

Submission:

Labcorp Genetics (formerly Invitae), Labcorp
Classification: Likely pathogenic for Hypohidrotic X-linked ectodermal dysplasia. Last evaluated: 2022-08-09. Review status: criteria provided, single submitter. Criteria: Invitae Variant Classification Sherloc (09022015). Collection method: clinical testing. Allele origin: germline.
Comment: In summary, the currently available evidence indicates that the variant is pathogenic, but additional data are needed to prove that conclusively. Therefore, this variant has been classified as Likely Pathogenic. This variant disrupts the p.Tyr310 amino acid residue in EDA. Other variant(s) that disrupt this residue have been observed in individuals with EDA-related conditions (PMID: 33502802), which suggests that this may be a clinically significant amino acid residue. Algorithms developed to predict the effect of sequence changes on RNA splicing suggest that this variant may create or strengthen a splice site. Advanced modeling of protein sequence and biophysical properties (such as structural, functional, and spatial information, amino acid conservation, physicochemical variation, residue mobility, and thermodynamic stability) performed at Invitae indicates that this missense variant is expected to disrupt EDA protein function. This missense change has been observed in individual(s) with clinical features of ectodermal dysplasia (Invitae). This variant is not present in population databases (gnomAD no frequency). This sequence change replaces tyrosine, which is neutral and polar, with aspartic acid, which is acidic and polar, at codon 310 of the EDA protein (p.Tyr310Asp).

Literature cited by the submitters: PubMed 33502802.

NM_001399.5(EDA):c.928T>G (p.Tyr310Asp)

Gene: EDA (ectodysplasin A; plus strand). Cytogenetic location: Xq13.1.
Variant type: single nucleotide variant.
Coding change: c.928T>G on transcript NM_001399.5 (MANE Select); coding-DNA position 928, T replaced by G.
Protein change: p.Tyr310Asp; replaces tyrosine 310 with aspartic acid.
Molecular consequence: missense variant.
Genome position (GRCh38, 1-based): chrX:70,035,361, T>G. VCF-style: chrX-70035361-T-G. GRCh37 (hg19) VCF-style: chrX-69255211-T-G.
Other names: c.922T>G, p.Tyr308Asp (NM_001005609.2); c.913T>G, p.Tyr305Asp (NM_001005612.3); short protein forms Y305D, Y310D, Y308D.
Identifiers: ClinVar variation 2012603 (VCV002012603.4), dbSNP rs2520346450, ClinGen allele CA413449228.
Genomic context (GRCh38, chrX:70,035,361, plus strand): 5'-GCCCCCCACCCTCTCTTTCCTCTCTTCCCCAATCCCTTCTTGTTGCCTCTCACTCAGGTA[T>G]ACTACATCAACTTCACTGACTTTGCCAGCTATGAGGTGGTGGTGGATGAGAAGCCCTTCC-3'
Protein context (NP_001390.1, residues 300-320): TYFIYSQVEV[Tyr310Asp]YINFTDFASY